The following is an entry in ClinVar:

ClinVar aggregate classification (germline): Uncertain significance (1 of 4 stars; one submission).

Allele frequency attached by ClinVar (database versions not stated): gnomAD 0.00001; gnomAD exomes 0.00001; TOPMed 0.00001.
gnomAD v4.1: 7 of 1,602,370 alleles (0.00044%); highest among the groups gnomAD compares: Admixed American, 0.01%; no homozygotes.

Submission:

Labcorp Genetics (formerly Invitae), Labcorp
Classification: Uncertain significance. Last evaluated: 2022-10-08. Review status: criteria provided, single submitter. Criteria: Invitae Variant Classification Sherloc (09022015). Collection method: clinical testing. Allele origin: germline.
Comment: Algorithms developed to predict the effect of missense changes on protein structure and function (SIFT, PolyPhen-2, Align-GVGD) all suggest that this variant is likely to be tolerated. In summary, the available evidence is currently insufficient to determine the role of this variant in disease. Therefore, it has been classified as a Variant of Uncertain Significance. This sequence change replaces leucine, which is neutral and non-polar, with phenylalanine, which is neutral and non-polar, at codon 48 of the DIP2C protein (p.Leu48Phe). This variant is present in population databases (no rsID available, gnomAD 0.01%). This variant has not been reported in the literature in individuals affected with DIP2C-related conditions. ClinVar contains an entry for this variant (Variation ID: 1480410).

NM_014974.3(DIP2C):c.142C>T (p.Leu48Phe)

Gene: DIP2C (DIP2 acetate--CoA ligase C (putative); minus strand). Cytogenetic location: 10p15.3.
Variant type: single nucleotide variant.
Coding change: c.142C>T on transcript NM_014974.3 (MANE Select); coding-DNA position 142, C replaced by T.
Protein change: p.Leu48Phe; replaces leucine 48 with phenylalanine.
Molecular consequence: missense variant.
Genome position (GRCh38, 1-based): chr10:486,474, G>A on the plus strand (C>T on the coding strand, the complement: DIP2C is on the minus strand). VCF-style: chr10-486474-G-A. GRCh37 (hg19) VCF-style: chr10-532414-G-A.
Other names: short protein forms L48F.
Identifiers: ClinVar variation 1480410 (VCV001480410.6), dbSNP rs1025273065, ClinGen allele CA201946602.
Genomic context (GRCh38, chr10:486,474, plus strand): 5'-ATGCGGGAAATGAGAGGACTCATGCTACTCATGGGGGTTACCTACTCGGAGGCTGCGGAA[G>A]GTAGGCTCCAATTAACTTTGACCTCTTCTTTTCATATCCTTTTTGTGTGATGTCACCTGC-3'
Protein context (NP_055789.1, residues 38-58): KKRSKLIGAY[Leu48Phe]PQPPRVDQAL